The following is an entry in ClinVar:

ClinVar aggregate classification (germline): Uncertain significance (1 of 4 stars; one submission).

Submission:

Labcorp Genetics (formerly Invitae), Labcorp
Classification: Uncertain significance. Last evaluated: 2022-05-23. Review status: criteria provided, single submitter. Criteria: Invitae Variant Classification Sherloc (09022015). Collection method: clinical testing. Allele origin: germline.
Comment: In summary, the available evidence is currently insufficient to determine the role of this variant in disease. Therefore, it has been classified as a Variant of Uncertain Significance. Algorithms developed to predict the effect of sequence changes on RNA splicing suggest that this variant may create or strengthen a splice site. This variant has not been reported in the literature in individuals affected with DNM1L-related conditions. This variant is not present in population databases (gnomAD no frequency). This sequence change falls in intron 18 of the DNM1L gene. It does not directly change the encoded amino acid sequence of the DNM1L protein.

NM_012062.5(DNM1L):c.1995-5_1995-4insA

Gene: DNM1L (dynamin 1 like; plus strand). Cytogenetic location: 12p11.21.
Variant type: Insertion.
Coding change: c.1995-5_1995-4insA on transcript NM_012062.5 (MANE Select); 5 bases into the intron before coding-DNA position 1995 through 4 bases into the intron before coding-DNA position 1995, A inserted.
Molecular consequence: intron variant.
Genome position: GRCh38 VCF-style: chr12-32742584-T-TA. GRCh37 (hg19) VCF-style: chr12-32895518-T-TA.
Other names: c.2034-5_2034-4insA (NM_001278464.2); c.2001-5_2001-4insA (NM_001278465.2); c.1923-5_1923-4insA (NM_001330380.2); c.1386-5_1386-4insA (NM_001278466.2); c.1962-5_1962-4insA (NM_001278463.2); c.1917-5_1917-4insA (NM_012063.4); c.1884-5_1884-4insA (NM_005690.5).
Identifiers: ClinVar variation 1995720 (VCV001995720.4), dbSNP rs2541133610, ClinGen allele CA2580085399.
Genomic context (GRCh38, chr12:32,742,584, plus strand): 5'-TCTAAGCCCAAATTGTTAAAAGTAGAATTTTGGCTAAAATTCCATAATTTGGTTGTGTTT[T>TA]GCAGTGTGCCAAAGGCAGTAATGCATTTTTTGGTTAATCATGTGAAAGACACTCTTCAGA-3'